The following is an entry in ClinVar:

NM_000257.4(MYH7):c.592A>C (p.Ile198Leu)

Gene: MYH7 (myosin heavy chain 7; minus strand). Cytogenetic location: 14q11.2.
Variant type: single nucleotide variant.
Coding change: c.592A>C on transcript NM_000257.4 (MANE Select); coding-DNA position 592, A replaced by C.
Protein change: p.Ile198Leu; replaces isoleucine 198 with leucine.
Molecular consequence: missense variant.
Genome position (GRCh38, 1-based): chr14:23,431,808, T>G on the plus strand (A>C on the coding strand, the complement: MYH7 is on the minus strand). VCF-style: chr14-23431808-T-G. GRCh37 (hg19) VCF-style: chr14-23901017-T-G.
Other names: c.592A>C, p.Ile198Leu (NM_001407004.1); short protein forms I198L.
Identifiers: ClinVar variation 4114884 (VCV004114884.1).

ClinVar aggregate classification (germline): Uncertain significance (1 of 4 stars; one submission).

Conditions:
Cardiovascular phenotype. Identifiers: MedGen CN230736.

Submission:

Ambry Genetics
Classification: Uncertain significance for Cardiovascular phenotype. Last evaluated: 2025-08-07. Review status: criteria provided, single submitter. Criteria: Ambry Variant Classification Scheme 2023. Collection method: clinical testing. Allele origin: germline.
Comment: The p.I198L variant (also known as c.592A>C), located in coding exon 5 of the MYH7 gene, results from an A to C substitution at nucleotide position 592. The isoleucine at codon 198 is replaced by leucine, an amino acid with highly similar properties. This alteration is located in the myosin head domain, which contains a statistically significant clustering of pathogenic missense variants (Homburger JR et al. Proc Natl Acad Sci U S A, 2016 06;113:6701-6; Walsh R et al. Genet Med, 2017 02;19:192-203; Ambry internal data). This variant was reported in individual(s) with features consistent with hypertrophic cardiomyopathy (Ambry internal data). This amino acid position is highly conserved in available vertebrate species. In addition, the in silico prediction for this alteration is inconclusive. Based on the available evidence, the clinical significance of this variant remains unclear.